The following is an entry in ClinVar:

ClinVar aggregate classification (germline): Uncertain significance (1 of 4 stars; one submission).

Conditions:
Hereditary cancer-predisposing syndrome. Also called: Hereditary neoplastic syndrome; Neoplastic Syndromes, Hereditary; Tumor predisposition; Hereditary Cancer Syndrome. Identifiers: Orphanet 140162, MedGen C0027672, MeSH D009386, MONDO:0015356.

Submission:

Ambry Genetics
Classification: Uncertain significance for Hereditary cancer-predisposing syndrome. Last evaluated: 2021-04-30. Review status: criteria provided, single submitter. Criteria: Ambry Variant Classification Scheme 2023. Collection method: clinical testing. Allele origin: germline.
Comment: The p.A86G variant (also known as c.257C>G), located in coding exon 2 of the CDKN2A gene, results from a C to G substitution at nucleotide position 257. The alanine at codon 86 is replaced by glycine, an amino acid with similar properties. This amino acid position is highly conserved in available vertebrate species. In addition, this alteration is predicted to be deleterious by in silico analysis. Since supporting evidence is limited at this time, the clinical significance of this alteration remains unclear.

NM_000077.5(CDKN2A):c.257C>G (p.Ala86Gly)

Gene: CDKN2A (cyclin dependent kinase inhibitor 2A; minus strand). Cytogenetic location: 9p21.3.
Variant type: single nucleotide variant.
Coding change: c.257C>G on transcript NM_000077.5; coding-DNA position 257, C replaced by G.
Protein change: p.Ala86Gly; replaces alanine 86 with glycine.
Molecular consequence: missense variant (on NM_000077.6). On other transcripts: 3 prime UTR variant (1).
Genome position (GRCh38, 1-based): chr9:21,971,102, G>C on the plus strand (C>G on the coding strand, the complement: CDKN2A is on the minus strand). VCF-style: chr9-21971102-G-C. GRCh37 (hg19) VCF-style: chr9-21971101-G-C.
Other names: c.257C>G, p.Ala86Gly (NM_000077.6, NM_001195132.2); c.104C>G, p.Ala35Gly (NM_001363763.2); c.300C>G, p.Cys100Trp (NM_058195.4); c.*180C>G (NM_058197.5); short protein forms A86G, C100W, A35G.
Identifiers: ClinVar variation 1793349 (VCV001793349.2), dbSNP rs2131094877, ClinGen allele CA373086215.